The following is an entry in ClinVar:

NM_198129.4(LAMA3):c.6463C>T (p.Gln2155Ter)

Gene: LAMA3 (laminin subunit alpha 3; plus strand). Cytogenetic location: 18q11.2.
Variant type: single nucleotide variant.
Coding change: c.6463C>T on transcript NM_198129.4 (MANE Select); coding-DNA position 6463, C replaced by T.
Protein change: p.Gln2155Ter; replaces glutamine 2155 with a stop codon.
Molecular consequence: nonsense.
Genome position (GRCh38, 1-based): chr18:23,904,077, C>T. VCF-style: chr18-23904077-C-T. GRCh37 (hg19) VCF-style: chr18-21484041-C-T.
Other names: c.1636C>T, p.Gln546Ter (NM_000227.6); c.6295C>T, p.Gln2099Ter (NM_001127717.4); c.1468C>T, p.Gln490Ter (NM_001127718.4); short protein forms Q2099*, Q490*, Q546*, Q2155*.
Identifiers: ClinVar variation 3633171 (VCV003633171.2).
Genomic context (GRCh38, chr18:23,904,077, plus strand): 5'-AAAACATCCCTTGTGGAGGAGGCAGAAAAGCACGCGCGGTCCTTACAAGAGCTGGCAAAG[C>T]AGCTGGAAGAGTGAGTGCATGGCCCAGGAGACCAGAAGGGCACGTGGGCTGAGCTCAGCA-3'

ClinVar aggregate classification (germline): Pathogenic (1 of 4 stars; one submission).

Submission:

Labcorp Genetics (formerly Invitae), Labcorp
Classification: Pathogenic. Last evaluated: 2024-01-31. Review status: criteria provided, single submitter. Criteria: Invitae Variant Classification Sherloc (09022015). Collection method: clinical testing. Allele origin: germline.
Comment: This sequence change creates a premature translational stop signal (p.Gln546*) in the LAMA3 gene. It is expected to result in an absent or disrupted protein product. Loss-of-function variants in LAMA3 are known to be pathogenic (PMID: 10366601, 11810295, 12915477, 16473856, 17362460, 22434185, 23869449, 27827380, 28087116). This variant is not present in population databases (gnomAD no frequency). This variant has not been reported in the literature in individuals affected with LAMA3-related conditions. Algorithms developed to predict the effect of sequence changes on RNA splicing suggest that this variant may disrupt the consensus splice site. For these reasons, this variant has been classified as Pathogenic.

Literature cited by the submitters: PubMed 10366601; PubMed 11810295; PubMed 12915477; PubMed 16473856; PubMed 17362460; PubMed 22434185; PubMed 23869449; PubMed 27827380; PubMed 28087116.